The following is an entry in ClinVar:

NM_003900.5(SQSTM1):c.1175C>T (p.Pro392Leu)

Gene: SQSTM1 (sequestosome 1; plus strand). Cytogenetic location: 5q35.3.
Variant type: single nucleotide variant.
Coding change: c.1175C>T on transcript NM_003900.5 (MANE Select); coding-DNA position 1175, C replaced by T.
Protein change: p.Pro392Leu; replaces proline 392 with leucine.
Molecular consequence: missense variant.
Genome position (GRCh38, 1-based): chr5:179,836,445, C>T. VCF-style: chr5-179836445-C-T. GRCh37 (hg19) VCF-style: chr5-179263445-C-T.
Other names: SQSTM1, PRO392LEU (rs104893941); c.923C>T, p.Pro308Leu (NM_001142298.2, NM_001142299.2); short protein forms P392L, P308L.
Identifiers: ClinVar variation 8108 (VCV000008108.84), dbSNP rs104893941, ClinGen allele CA203866.

ClinVar aggregate classification (germline): Conflicting classifications of pathogenicity. Review status: criteria provided, conflicting classifications (1 of 4 stars). 19 submissions from 18 submitters: Pathogenic (5); Likely pathogenic (6); Uncertain significance (4). 4 of the submissions do not count toward it. Last evaluated 2026-09-01.

Conditions:
SQSTM1-related multisystem proteinopathy. Identifiers: MedGen CN375925, MONDO:0800464.
Spastic paraplegia-Paget disease of bone syndrome. Identifiers: Orphanet 329475, MedGen C4511969, MONDO:0018005.
Paget disease of bone 3. Identifiers: MedGen C4085252, MONDO:0008176, OMIM 167250.
Frontotemporal dementia and/or amyotrophic lateral sclerosis 3. Also called: FTDALS3. Identifiers: Orphanet 275864, Orphanet 275872, Orphanet 803, MedGen C4225326, MONDO:0014640, OMIM 616437.
Bone Paget disease. Also called: Paget disease of bone; Osteitis deformans. Identifiers: MedGen C0029401, MONDO:0005382, HP:0034159.
Neurodegeneration with ataxia, dystonia, and gaze palsy, childhood-onset (NADGP). Identifiers: MedGen C4310693, MONDO:0014940, OMIM 617145.
Paget disease of bone 2, early-onset (PDB2). Also called: Paget disease of bone 2. Identifiers: MedGen C4085251, MONDO:0011183, OMIM 602080.
Frontotemporal dementia and/or amyotrophic lateral sclerosis 1 (FTDALS1). Also called: Frontotemporal dementia with motor neuron disease 1; C9orf72 Frontotemporal Dementia and/or Amyotrophic Lateral Sclerosis. Identifiers: Orphanet 275872, MedGen C5779877, MONDO:0007105, OMIM 105550.
Amyotrophic lateral sclerosis (ALS). Also called: Charcot disease; Lou Gehrig disease. Identifiers: Orphanet 803, MedGen C0002736, MONDO:0004976, HP:0007354.

Allele frequency attached by ClinVar (database versions not stated): ExAC 0.00089; gnomAD exomes 0.00098; gnomAD 0.00129 and 0.00133; TOPMed 0.00196; 1000 Genomes Project 0.00240; 1000 Genomes Project 30x 0.00234.
gnomAD v4.1: 2,294 of 1,614,158 alleles (0.14%); highest among the groups gnomAD compares: Admixed American, 0.26%; 3 homozygotes.

Submissions 1 to 7 of 19:

CeGaT Center for Human Genetics Tuebingen
Classification: Likely pathogenic. Last evaluated: 2026-09-01. Review status: criteria provided, single submitter. Criteria: CeGaT Center For Human Genetics Tuebingen Variant Classification Criteria Version 2. Collection method: clinical testing. Allele origin: germline. Affected: yes. Observed: 9 variant alleles.
Comment: SQSTM1: PS3, PS4:Moderate, PM2:Supporting

GeneDx
Classification: Uncertain significance. Last evaluated: 2026-08-04. Review status: criteria provided, single submitter. Criteria: GeneDx Variant Classification Process June 2021. Collection method: clinical testing. Allele origin: germline.
Comment: Observed in multiple unrelated patients with Paget disease of bone (PDB), frontotemporal dementia (FTD), and/or amyotrophic lateral sclerosis (ALS) in published literature; however, variant has been observed in controls (PMID: 31475037, 26839080, 24042580, 32409511, 23417734, 35260199); Published functional studies demonstrate a damaging effect and show that this variant is associated with decreased p62 expression and impaired lysophagy in HeLa cells (PMID: 36701233); Published mouse models expressing the P392L equivalent variant (P394L in the murine sqstm1 gene) developed a skeletal disorder similar to PDB; however studies using affected patient cells and a different mouse model suggest that the P392L variant may be insufficient to cause PDB on its own, and additional genetic and/or environmental factors may be required (PMID: 21515589, 18765443, 21195346, 26713335); In silico analysis supports that this missense variant has a deleterious effect on protein structure/function; This variant is associated with the following publications: (PMID: 38547852, 40225153, 24899140, 15493999, 18765443, 19589897, 12857745, 26713335, 28430856, 23942205, 25241215, 33612544, 32329415, 32893041, 33325387, 34426522, 11992264, 21195346, 26839080, 24042580, 32409511, 23417734, 33015249, 30889971, 31000212, 30729484, 30671590, 30726512, 31462833, 28889094, 32978683, 29457785, 27594680, 27275741, 29948344, 29599744, 30886882, 25708934, 30594595, 15125799, 26627873, 31634910, 31616248, 32176830, 31530427, 35241069, 35260199, 21515589, 31475037, 35229101, 36327984, 35769265, 35708843, 36918542, 35355568, 36035996, 35330074, 36133075, 38493523, 37868330, 37370996, 37205240, 38123339, 38960585, 39079071, 39122262, 38702915, 39669768, 39563277, 39142003, 38016875, 36701233, 40847817, 42481886, 40208338)

OLLIN Analises Genomicas, OLLIN
Classification: Likely pathogenic for Paget disease of bone 3. Last evaluated: 2026-02-13. Review status: criteria provided, single submitter. Criteria: ACMG Guidelines 2015 PMID 25741868. Collection method: clinical testing. Allele origin: germline. Observed: 1 variant allele.
Comment: PS3_M, PP3_M, PP1_S, BS1

Labcorp Genetics (formerly Invitae), Labcorp
Classification: Pathogenic for Paget disease of bone 2, early-onset; Frontotemporal dementia and/or amyotrophic lateral sclerosis 1. Last evaluated: 2026-02-01. Review status: criteria provided, single submitter. Criteria: Invitae Variant Classification Sherloc (09022015). Collection method: clinical testing. Allele origin: germline.
Comment: This sequence change replaces proline, which is neutral and non-polar, with leucine, which is neutral and non-polar, at codon 392 of the SQSTM1 protein (p.Pro392Leu). This variant is present in population databases (rs104893941, gnomAD 0.1%), including at least one homozygous and/or hemizygous individual. This missense change has been observed in individual(s) with autosomal dominant Paget disease of the bone (PMID: 11473345, 11992264, 15125799, 17229007). It has also been observed to segregate with disease in related individuals. The penetrance of this variant appears to be reduced and increases with age. In one study, the penetrance was 50% across all age groups but 17% below the age of 50 (PMID: 17229007). Of note, this variant has also been observed in individuals with frontotemporal dementia (PMID: 24899140, 24042580), amyotrophic lateral sclerosis (PMID:23417734, 23942205, 24899140, 28430856), and myopathy (PMID:29457785, 29599744), but the association with these diseases is unclear. ClinVar contains an entry for this variant (Variation ID: 8108). Invitae Evidence Modeling of protein sequence and biophysical properties (such as structural, functional, and spatial information, amino acid conservation, physicochemical variation, residue mobility, and thermodynamic stability) has been performed for this missense variant. However, the output from this modeling did not meet the statistical confidence thresholds required to predict the impact of this variant on SQSTM1 protein function. Experimental studies have shown that this missense change affects SQSTM1 function (PMID: 15765181, 16813535, 19589897, 21195346, 21878516). For these reasons, this variant has been classified as Pathogenic.

Victorian Clinical Genetics Services, Murdoch Childrens Research Institute
Classification: Uncertain significance for SQSTM1-related multisystem proteinopathy. Last evaluated: 2025-11-20. Review status: criteria provided, single submitter. Criteria: ACMG Guidelines, 2015. Collection method: clinical testing. Allele origin: germline. Affected: yes.
Comment: This variant is classified as VUS-3B. Evidence in support of pathogenic classification: Variant is present in gnomAD <0.01 (v4: 2288 heterozygote(s), 3 homozygote(s)); Another missense variant comparable to the one identified in this case has limited previous evidence for pathogenicity. The p.(Pro392Ala) variant has been observed in one individual with frontotemporal dementia (PMID: 28749476); Missense variant consistently predicted to be damaging by in silico tool or highly conserved with a major amino acid change. Additional information: Variant is predicted to result in a missense amino acid change from proline to leucine; This variant is heterozygous; This gene is associated with both recessive and dominant disease. This gene is associated with autosomal dominant SQSTM1-related multisystem proteinopathy (MONDO:0800464), and autosomal recessive neurodegeneration with ataxia, dystonia, and gaze palsy, childhood-onset (MIM#617145); Multiple alternative amino acid changes at the same position have been observed in gnomAD (v4) (highest allele count: 2 heterozygote(s), 0 homozygote(s)); Previous reports of pathogenicity for this variant are conflicting. This variant has been classified as pathogenic and likely pathogenic in ClinVar, and more recently as a VUS. It has also been reported in individuals with SQSTM1-related multisystem proteinopathy (MONDO:0800464), and in unaffected individuals (PMID: 35260199, 36133075). In addition, this variant has been observed in an individual with Amyotrophic lateral sclerosis (ALS) with an alternative genetic diagnosis, and was not found in another affected individual within the family (PMID: 38960585). This variant has also been frequently reported in individuals with Paget's disease (PMID: 26713335, 17229007); Functional evidence for this variant is inconclusive. Paget's disease is characterised by increased osteoclast formation and bone resorption. Both mutant mice and patient derived cells demonstrated hyper-response to various signalling activators and increased osteoclast formation. However, the removal of stromal cells (mimicking the absence of a bone marrow microenvironment) and the presence of measles virus nucleocapsid abrogated these effects. Therefore, suggesting that the p.Pro392Leu variant alone is insufficient for disease pathogenesis. In addition, knock-in mice models had histologically normal bones (PMID: 18765443, 21195346); Variant is located in the annotated UBA domain (DECIPHER); Loss of function is a known mechanism of disease in this gene and is associated with SQSTM1-related multisystem proteinopathy (MONDO:0800464), and neurodegeneration with ataxia, dystonia, and gaze palsy, childhood-onset (MIM#617145); The condition associated with this gene has incomplete penetrance (PMID: 23942205); Inheritance information for this variant is not currently available in this individual.

Mayo Clinic Laboratories, Mayo Clinic
Classification: Uncertain significance. Last evaluated: 2025-11-04. Review status: criteria provided, single submitter. Criteria: ACMG Guidelines, 2015. Collection method: clinical testing. Allele origin: germline. Observed: 11 variant alleles.
Comment: PP3, PM1

First Genomix Gene Laboratory, Genetic Diagnostics Department
Classification: Likely pathogenic for Neurodegeneration with ataxia, dystonia, and gaze palsy, childhood-onset. Last evaluated: 2025-05-29. Review status: criteria provided, single submitter. Criteria: ACMG Guidelines, 2015. Collection method: clinical testing. Allele origin: germline. Inheritance: Autosomal recessive inheritance. Affected: no. Observed: 1 variant allele.